The following is an entry in ClinVar:

ClinVar aggregate classification (germline): Uncertain significance (1 of 4 stars; one submission).

Submission:

Greenwood Genetic Center Diagnostic Laboratories, Greenwood Genetic Center
Classification: Uncertain significance. Last evaluated: 2022-05-26. Review status: criteria provided, single submitter. Criteria: ACMG Guidelines, 2015. Collection method: clinical testing. Allele origin: germline. Affected: yes.
Comment: PM2

NM_001321075.3(DLG4):c.472G>A (p.Val158Ile)

Gene: DLG4 (discs large MAGUK scaffold protein 4; minus strand). Cytogenetic location: 17p13.1.
Variant type: single nucleotide variant.
Coding change: c.472G>A on transcript NM_001321075.3 (MANE Select); coding-DNA position 472, G replaced by A.
Protein change: p.Val158Ile; replaces valine 158 with isoleucine.
Molecular consequence: missense variant. On other transcripts: non-coding transcript variant (1).
Genome position (GRCh38, 1-based): chr17:7,203,457, C>T on the plus strand (G>A on the coding strand, the complement: DLG4 is on the minus strand). VCF-style: chr17-7203457-C-T. GRCh37 (hg19) VCF-style: chr17-7106776-C-T.
Other names: c.463G>A, p.Val155Ile (NM_001128827.4); c.592G>A, p.Val198Ile (NM_001321074.1); c.292G>A, p.Val98Ile (NM_001321076.3, NM_001321077.3); c.601G>A, p.Val201Ile (NM_001365.5); c.391G>A, p.Val131Ile (NM_001369566.3); short protein forms V131I, V155I, V158I, V198I, V201I, V98I.
Identifiers: ClinVar variation 1703073 (VCV001703073.3), dbSNP rs1484512483, ClinGen allele CA397719189.